The following is an entry in ClinVar:

NM_000535.7(PMS2):c.858C>A (p.Asp286Glu)

Gene: PMS2 (PMS1 homolog 2, mismatch repair system component; minus strand). Cytogenetic location: 7p22.1.
Variant type: single nucleotide variant.
Coding change: c.858C>A on transcript NM_000535.7 (MANE Select); coding-DNA position 858, C replaced by A.
Protein change: p.Asp286Glu; replaces aspartic acid 286 with glutamic acid.
Molecular consequence: missense variant. On other transcripts: 5 prime UTR variant (2), non-coding transcript variant (1).
Genome position (GRCh38, 1-based): chr7:5,995,579, G>T on the plus strand (C>A on the coding strand, the complement: PMS2 is on the minus strand). VCF-style: chr7-5995579-G-T. GRCh37 (hg19) VCF-style: chr7-6035210-G-T.
Other names: c.453C>A, p.Asp151Glu (NM_001322003.2, NM_001322004.2, NM_001322005.2 and 2 more transcripts); c.858C>A, p.Asp286Glu (NM_001322006.2, NM_001322014.2); c.540C>A, p.Asp180Glu (NM_001322007.2, NM_001322008.2); c.-76C>A (NM_001322011.2, NM_001322012.2); c.285C>A, p.Asp95Glu (NM_001322013.2); c.549C>A, p.Asp183Glu (NM_001322015.2); short protein forms D286E, D151E, D95E, D180E, D183E.
Identifiers: ClinVar variation 41720 (VCV000041720.24), dbSNP rs201921616, ClinGen allele CA013036.

ClinVar aggregate classification (germline): Uncertain significance. Review status: criteria provided, multiple submitters, no conflicts (2 of 4 stars). 8 submissions from 8 submitters: Uncertain significance (7). 1 of the submissions does not count toward it. Last evaluated 2025-11-18.

Conditions:
Hereditary nonpolyposis colorectal neoplasms. Identifiers: MedGen C0009405, MeSH D003123.
Hereditary cancer-predisposing syndrome. Also called: Hereditary neoplastic syndrome; Neoplastic Syndromes, Hereditary; Hereditary Cancer Syndrome; Tumor predisposition. Identifiers: Orphanet 140162, MedGen C0027672, MeSH D009386, MONDO:0015356.
Lynch syndrome 4 (LYNCH4). Also called: Colorectal cancer, hereditary nonpolyposis, type 4; Hereditary non-polyposis colorectal cancer, type 4. Identifiers: Orphanet 144, MedGen C1838333, MONDO:0013699, OMIM 614337. Disease mechanism: loss of function.

Allele frequency attached by ClinVar (database versions not stated): gnomAD exomes below 0.00001.
gnomAD v4.1: 3 of 1,613,986 alleles (0.00019%); highest among the groups gnomAD compares: Non-Finnish European, 0.00025%; no homozygotes.

Submissions (8):

Labcorp Genetics (formerly Invitae), Labcorp
Classification: Uncertain significance for Hereditary nonpolyposis colorectal neoplasms. Last evaluated: 2025-11-18. Review status: criteria provided, single submitter. Criteria: Invitae Variant Classification Sherloc (09022015). Collection method: clinical testing. Allele origin: germline.
Comment: This sequence change replaces aspartic acid, which is acidic and polar, with glutamic acid, which is acidic and polar, at codon 286 of the PMS2 protein (p.Asp286Glu). This variant is present in population databases (rs201921616, gnomAD 0.0009%). This variant has not been reported in the literature in individuals affected with PMS2-related conditions. ClinVar contains an entry for this variant (Variation ID: 41720). Invitae Evidence Modeling incorporating data from in vitro experimental studies (internal data) indicates that this missense variant is not expected to disrupt PMS2 function with a negative predictive value of 95%. In summary, the available evidence is currently insufficient to determine the role of this variant in disease. Therefore, it has been classified as a Variant of Uncertain Significance.

Color Diagnostics, LLC DBA Color Health
Classification: Uncertain significance for Hereditary cancer-predisposing syndrome. Last evaluated: 2025-10-07. Review status: criteria provided, single submitter. Criteria: ACMG Guidelines, 2015. Collection method: clinical testing. Allele origin: germline.
Comment: This missense variant replaces aspartic acid with glutamic acid at codon 286 of the PMS2 protein. Computational prediction suggests that this variant may not impact protein structure and function. To our knowledge, functional studies have not been reported for this variant. This variant has not been reported in individuals affected with PMS2-related disorders in the literature. This variant has been identified in 3/1461720 chromosomes in the general population by the Genome Aggregation Database (gnomAD). The available evidence is insufficient to determine the role of this variant in disease conclusively. Therefore, this variant is classified as a Variant of Uncertain Significance.

Ambry Genetics
Classification: Uncertain significance for Hereditary cancer-predisposing syndrome. Last evaluated: 2024-10-27. Review status: criteria provided, single submitter. Criteria: Ambry Variant Classification Scheme 2023. Collection method: clinical testing. Allele origin: germline.
Comment: The p.D286E variant (also known as c.858C>A), located in coding exon 8 of the PMS2 gene, results from a C to A substitution at nucleotide position 858. The aspartic acid at codon 286 is replaced by glutamic acid, an amino acid with highly similar properties. This amino acid position is not well conserved in available vertebrate species. In addition, the in silico prediction for this alteration is inconclusive. Based on the available evidence, the clinical significance of this variant remains unclear.

Baylor Genetics
Classification: Uncertain significance for Lynch syndrome 4. Last evaluated: 2023-10-03. Review status: criteria provided, single submitter. Criteria: ACMG Guidelines, 2015. Collection method: clinical testing. Allele origin: unknown.

GeneDx
Classification: Uncertain significance. Last evaluated: 2022-12-21. Review status: criteria provided, single submitter. Criteria: GeneDx Variant Classification Process June 2021. Collection method: clinical testing. Allele origin: germline. Affected: yes.
Comment: Not observed at significant frequency in large population cohorts (gnomAD); In silico analysis supports that this missense variant has a deleterious effect on protein structure/function; Observed in an individual with atherosclerosis (Johnston et al., 2012); This variant is associated with the following publications: (PMID: 22703879, 11574484, 24755471)

Sema4
Classification: Uncertain significance for Hereditary cancer-predisposing syndrome. Last evaluated: 2021-10-27. Review status: criteria provided, single submitter. Criteria: Sema4 Curation Guidelines. Collection method: curation. Allele origin: germline.
Comment: The PMS2 c.858C>A (p.D286E) variant has not been reported in individuals with PMS2-related disease to our knowledge. It was observed in 1/113728 chromosomes of the Non-Finnish European subpopulation in the large and broad cohorts of the Genome Aggregation Database (PMID: 32461654). The variant has been reported in ClinVar (Variation ID 41720). Functional studies have not been performed, and in silico predictions of the variant's effect on protein function are inconclusive. The evidence is insufficient to meet ACMG/AMP criteria for classifying the variant as benign or pathogenic. Thus, the clinical significance of this variant is currently uncertain.

Women's Health and Genetics/Laboratory Corporation of America, LabCorp
Classification: Uncertain significance. Last evaluated: 2016-01-11. Review status: criteria provided, single submitter. Criteria: LabCorp Variant Classification Summary - May 2015. Collection method: clinical testing. Allele origin: germline.
Comment: Variant summary: Variant affects a non-conserved nucleotide and results in a replacement of an Aspartate (D) with a Glutamic acid (E). Both residues are medium size and acidic, therefore this Aspartate to Glutamic acid substitution likely does not alter the physico-chemical properties of the protein. It is absent from the large and broad cohorts of the ExAC project and to our knowledge, it was not reported in Lynch syndrome spectrum patients either. In vitro/vivo studies to reporting the impact on the function of the protein were not published at the time of scoring. Due to the lack of clinical and functional data, the variant was classified as a variant of uncertain significance until more information becomes available.

Biesecker Lab/Clinical Genomics Section, National Institutes of Health
Classification: Uncertain significance. Last evaluated: 2012-07-13. Review status: no assertion criteria provided. Collection method: research. Allele origin: germline. Affected: no. Observed: 1 variant allele. Study: ClinSeq. Not counted in ClinVar's aggregate classification.
ClinVar note: Converted during submission from variant of unknown significance to Uncertain significance.

Literature cited by the submitters: PubMed 24755471 (cited by Women's Health and Genetics/Laboratory Corporation of America, LabCorp).